The following is an entry in ClinVar:

ClinVar aggregate classification (germline): Likely benign (1 of 4 stars; one submission).

Allele frequency attached by ClinVar (database versions not stated): TOPMed 0.00003 and 0.00004; ExAC 0.00013; gnomAD 0.00001; gnomAD exomes 0.00008.
gnomAD v4.1: 29 of 1,062,571 alleles (0.0027%); highest among the groups gnomAD compares: Admixed American, 0.021%; no homozygotes.

Submission:

GeneDx
Classification: Likely benign. Last evaluated: 2012-07-10. Review status: criteria provided, single submitter. Criteria: GeneDx Variant Classification (06012015). Collection method: clinical testing. Allele origin: germline. Affected: yes.
Comment: This variant is considered likely benign or benign based on one or more of the following criteria: it is a conservative change, it occurs at a poorly conserved position in the protein, it is predicted to be benign by multiple in silico algorithms, and/or has population frequency not consistent with disease.

NM_001184880.2(PCDH19):c.-38G>T

Gene: PCDH19 (protocadherin 19; minus strand). Cytogenetic location: Xq22.1.
Variant type: single nucleotide variant.
Coding change: c.-38G>T on transcript NM_001184880.2 (MANE Select); 38 bases upstream of the start codon, G replaced by T.
Molecular consequence: 5 prime UTR variant.
Genome position (GRCh38, 1-based): chrX:100,408,635, C>A on the plus strand (G>T on the coding strand, the complement: PCDH19 is on the minus strand). VCF-style: chrX-100408635-C-A. GRCh37 (hg19) VCF-style: chrX-99663633-C-A.
Other names: c.-38G>T (NM_001105243.2, NM_020766.3).
Identifiers: ClinVar variation 206289 (VCV000206289.1), dbSNP rs760863131, ClinGen allele CA316228.